The following is an entry in ClinVar:

ClinVar aggregate classification (germline): Benign/Likely benign. Review status: criteria provided, multiple submitters, no conflicts (2 of 4 stars). 11 submissions from 11 submitters: Benign (5); Likely benign (3). 3 of the submissions do not count toward it. Last evaluated 2026-02-04.

Conditions:
Retinal dystrophy. Also called: Inherited retinal dystrophy. Identifiers: Orphanet 71862, MedGen C0854723, MeSH D058499, MONDO:0019118, HP:0000556.
Retinitis pigmentosa (RP). Identifiers: Orphanet 791, MedGen C0035334, MeSH D012174, MONDO:0019200, OMIM 268000. Inheritance: Autosomal dominant, autosomal recessive and X linked inheritance.
Retinitis pigmentosa 25 (RP25). Identifiers: Orphanet 791, MedGen C1864446, MONDO:0011272, OMIM 602772.

Allele frequency attached by ClinVar (database versions not stated): ESP Exome Variant Server 0.12556; gnomAD 0.12981 and 0.13132; 1000 Genomes Project 30x 0.12196; 1000 Genomes Project 0.12420; TOPMed 0.12538; ExAC 0.15691; gnomAD exomes 0.15903 and 0.16822.
gnomAD v4.1: 264,838 of 1,611,088 alleles (16%); highest among the groups gnomAD compares: Non-Finnish European, 17%; 22,985 homozygotes.

Submissions (11):

Labcorp Genetics (formerly Invitae), Labcorp
Classification: Benign. Last evaluated: 2026-02-04. Review status: criteria provided, single submitter. Criteria: Invitae Variant Classification Sherloc (09022015). Collection method: clinical testing. Allele origin: germline.

Dept Of Ophthalmology, Nagoya University
Classification: Benign for Retinal dystrophy. Last evaluated: 2023-10-01. Review status: criteria provided, single submitter. Criteria: Submitter's publication. Collection method: research. Allele origin: germline. Affected: yes.

Women's Health and Genetics/Laboratory Corporation of America, LabCorp
Classification: Likely benign. Last evaluated: 2023-04-17. Review status: criteria provided, single submitter. Criteria: LabCorp Variant Classification Summary - May 2015. Collection method: clinical testing. Allele origin: germline.

Genome-Nilou Lab
Classification: Benign for Retinitis pigmentosa 25. Last evaluated: 2021-07-01. Review status: criteria provided, single submitter. Criteria: ACMG Guidelines, 2015. Collection method: clinical testing. Allele origin: germline. Affected: no.

Illumina Laboratory Services, Illumina
Classification: Benign for Retinitis pigmentosa. Last evaluated: 2018-01-12. Review status: criteria provided, single submitter. Criteria: ICSL Variant Classification Criteria 13 December 2019. Collection method: clinical testing. Allele origin: germline.
Comment: This variant was observed in the ICSL laboratory as part of a predisposition screen in an ostensibly healthy population. It had not been previously curated by ICSL or reported in the Human Gene Mutation Database (HGMD: prior to June 1st, 2018), and was therefore a candidate for classification through an automated scoring system. Utilizing variant allele frequency, disease prevalence and penetrance estimates, and inheritance mode, an automated score was calculated to assess if this variant is too frequent to cause the disease. Based on the score and internal cut-off values, a variant classified as benign is not then subjected to further curation. The score for this variant resulted in a classification of benign for this disease.

Clinical Genetics DNA and cytogenetics Diagnostics Lab, Erasmus MC, Erasmus Medical Center
Classification: Likely benign for Retinitis pigmentosa 25. Last evaluated: 2015-03-04. Review status: criteria provided, single submitter. Criteria: ACGS Guidelines, 2013. Collection method: clinical testing. Allele origin: germline. Affected: yes. Study: VKGL Data-share Consensus.

GeneDx
Classification: Benign. Last evaluated: 2011-07-05. Review status: criteria provided, single submitter. Criteria: GeneDx Variant Classification (06012015). Collection method: clinical testing. Allele origin: germline. Affected: yes.
Comment: This variant is considered likely benign or benign based on one or more of the following criteria: it is a conservative change, it occurs at a poorly conserved position in the protein, it is predicted to be benign by multiple in silico algorithms, and/or has population frequency not consistent with disease.

Breakthrough Genomics
Classification: Likely benign. Review status: criteria provided, single submitter. Criteria: ACMG Guidelines, 2015. Collection method: not provided. Allele origin: germline. Inheritance: Autosomal recessive inheritance. Affected: yes.

Natera, Inc.
Classification: Benign for Retinitis pigmentosa. Last evaluated: 2020-09-16. Review status: no assertion criteria provided. Collection method: clinical testing. Allele origin: germline. Not counted in ClinVar's aggregate classification.

Diagnostic Laboratory, Department of Genetics, University Medical Center Groningen
Classification: Benign for Retinitis pigmentosa 25. Review status: no assertion criteria provided. Collection method: clinical testing. Allele origin: germline. Affected: yes. Study: VKGL Data-share Consensus. Not counted in ClinVar's aggregate classification.

Joint Genome Diagnostic Labs from Nijmegen and Maastricht, Radboudumc and MUMC+
Classification: Benign. Review status: no assertion criteria provided. Collection method: clinical testing. Allele origin: germline. Affected: yes. Study: VKGL Data-share Consensus. Not counted in ClinVar's aggregate classification.

NM_001142800.2(EYS):c.1712A>G (p.Gln571Arg)

Gene: EYS (EGF-like photoreceptor maintenance factor; minus strand). Cytogenetic location: 6q12.
Variant type: single nucleotide variant.
Coding change: c.1712A>G on transcript NM_001142800.2 (MANE Select); coding-DNA position 1712, A replaced by G.
Protein change: p.Gln571Arg; replaces glutamine 571 with arginine.
Molecular consequence: missense variant.
Genome position (GRCh38, 1-based): chr6:65,335,034, T>C on the plus strand (A>G on the coding strand, the complement: EYS is on the minus strand). VCF-style: chr6-65335034-T-C. GRCh37 (hg19) VCF-style: chr6-66044927-T-C.
Other names: p.Q571R:CAA>CGA; c.1712A>G (FM209056.1); c.1712A>G, p.Gln571Arg (NM_001142801.2, NM_001292009.2, NM_198283.2); short protein forms Q571R.
Identifiers: ClinVar variation 137265 (VCV000137265.23), dbSNP rs61753610, ClinGen allele CA290798.